The following is an entry in ClinVar:

ClinVar aggregate classification (germline): Pathogenic (1 of 4 stars; one submission).

Submission:

Labcorp Genetics (formerly Invitae), Labcorp
Classification: Pathogenic. Last evaluated: 2023-11-28. Review status: criteria provided, single submitter. Criteria: Invitae Variant Classification Sherloc (09022015). Collection method: clinical testing. Allele origin: germline.
Comment: This sequence change creates a premature translational stop signal (p.Lys55*) in the MAK gene. It is expected to result in an absent or disrupted protein product. Loss-of-function variants in MAK are known to be pathogenic (PMID: 21148103, 21825139, 24938718, 29781741). Information on the frequency of this variant in the gnomAD database is not available, as this variant may be reported differently in the database. This variant has not been reported in the literature in individuals affected with MAK-related conditions. For these reasons, this variant has been classified as Pathogenic.

Literature cited by the submitters: PubMed 21148103; PubMed 21825139; PubMed 24938718; PubMed 29781741.

NM_001242957.3(MAK):c.162_163delinsTT (p.Lys55Ter)

Gene: MAK (male germ cell associated kinase; minus strand). Cytogenetic location: 6p24.2.
Variant type: Indel.
Coding change: c.162_163delinsTT on transcript NM_001242957.3 (MANE Select); coding-DNA positions 162 to 163, GA replaced by TT.
Protein change: p.Lys55Ter; replaces lysine 55 with a stop codon.
Molecular consequence: nonsense. On other transcripts: non-coding transcript variant (2).
Genome position (GRCh38, 1-based): chr6:10,817,965-10,817,966, TC replaced by AA on the plus strand (GA replaced by TT on the coding strand, the reverse complement: MAK is on the minus strand). VCF-style: chr6-10817965-TC-AA. GRCh37 (hg19) VCF-style: chr6-10818198-TC-AA.
Other names: c.162_163delinsTT, p.Lys55Ter (NM_001242385.2, NM_005906.6); c.60_61delinsTT, p.Lys21Ter (NM_001377262.1); short protein forms K21*, K55*.
Identifiers: ClinVar variation 2822332 (VCV002822332.3), dbSNP rs2532578504, ClinGen allele CA2739272844.